The following is an entry in ClinVar:

NM_001377142.1(PLCB4):c.*90A>T

Gene: PLCB4 (phospholipase C beta 4; plus strand). Cytogenetic location: 20p12.2.
Variant type: single nucleotide variant.
Coding change: c.*90A>T on transcript NM_001377142.1 (MANE Select); 90 bases downstream of the stop codon, A replaced by T.
Molecular consequence: 3 prime UTR variant.
Genome position (GRCh38, 1-based): chr20:9,479,099, A>T. VCF-style: chr20-9479099-A-T. GRCh37 (hg19) VCF-style: chr20-9459746-A-T.
Other names: c.*90A>T (NM_000933.4, NM_001377134.2, NM_001377135.1 and 1 more transcripts); c.*110A>T (NM_001172646.2, NM_001377136.1, NM_182797.3).
Identifiers: ClinVar variation 339597 (VCV000339597.5), dbSNP rs554019512, ClinGen allele CA10644480.
Genomic context (GRCh38, chr20:9,479,099, plus strand): 5'-TCACTCACAAACTTCTGAACACAAACTCCATGGATGAAAGCTGTTTATTTTGTTTCCTTT[A>T]TGTGTAAACAAGATGATATCTGAAACCAGAGAGACTTGGAATGTCTGACTGACTTCTATT-3'

ClinVar aggregate classification (germline): Benign (1 of 4 stars; one submission).

Conditions:
Auriculocondylar syndrome 2 (ARCND2A). Also called: AURICULOCONDYLAR SYNDROME 2A. Identifiers: Orphanet 137888, MedGen C3553404, MONDO:0013845, OMIM 614669.

Allele frequency attached by ClinVar (database versions not stated): gnomAD 0.00002 and 0.00014; TOPMed 0.00002; 1000 Genomes Project 30x 0.00031; 1000 Genomes Project 0.00040.
gnomAD v4.1: 168 of 867,090 alleles (0.019%); highest among the groups gnomAD compares: South Asian, 0.23%; 1 homozygote.

Submission:

Illumina Laboratory Services, Illumina
Classification: Benign for Auriculocondylar syndrome 2. Last evaluated: 2018-01-13. Review status: criteria provided, single submitter. Criteria: ICSL Variant Classification Criteria 13 December 2019. Collection method: clinical testing. Allele origin: germline.
Comment: This variant was observed in the ICSL laboratory as part of a predisposition screen in an ostensibly healthy population. It had not been previously curated by ICSL or reported in the Human Gene Mutation Database (HGMD: prior to June 1st, 2018), and was therefore a candidate for classification through an automated scoring system. Utilizing variant allele frequency, disease prevalence and penetrance estimates, and inheritance mode, an automated score was calculated to assess if this variant is too frequent to cause the disease. Based on the score and internal cut-off values, a variant classified as benign is not then subjected to further curation. The score for this variant resulted in a classification of benign for this disease.